The following is an entry in ClinVar:

NM_003470.3(USP7):c.311G>C (p.Arg104Pro)

Gene: USP7 (ubiquitin specific peptidase 7; minus strand). Cytogenetic location: 16p13.2.
Variant type: single nucleotide variant.
Coding change: c.311G>C on transcript NM_003470.3 (MANE Select); coding-DNA position 311, G replaced by C.
Protein change: p.Arg104Pro; replaces arginine 104 with proline.
Molecular consequence: missense variant. On other transcripts: non-coding transcript variant (1).
Genome position (GRCh38, 1-based): chr16:8,923,287, C>G on the plus strand (G>C on the coding strand, the complement: USP7 is on the minus strand). VCF-style: chr16-8923287-C-G. GRCh37 (hg19) VCF-style: chr16-9017144-C-G.
Other names: c.263G>C, p.Arg88Pro (NM_001286457.2); c.14G>C, p.Arg5Pro (NM_001286458.2); c.137G>C, p.Arg46Pro (NM_001321858.2); short protein forms R104P, R46P, R5P, R88P.
Identifiers: ClinVar variation 3600962 (VCV003600962.1).

ClinVar aggregate classification (germline): Uncertain significance (1 of 4 stars; one submission).

Submission:

GeneDx
Classification: Uncertain significance. Last evaluated: 2024-07-22. Review status: criteria provided, single submitter. Criteria: GeneDx Variant Classification Process June 2021. Collection method: clinical testing. Allele origin: germline. Affected: yes.
Comment: Not observed at significant frequency in large population cohorts (gnomAD); In silico analysis supports that this missense variant has a deleterious effect on protein structure/function; Has not been previously published as pathogenic or benign to our knowledge